The following is an entry in ClinVar:

ClinVar aggregate classification (germline): Uncertain significance. Review status: criteria provided, multiple submitters, no conflicts (2 of 4 stars). 2 submissions from 2 submitters: Uncertain significance (2). Last evaluated 2025-02-19.

Conditions:
Fanconi anemia (FA). Also called: Fanconi's anemia. Identifiers: Orphanet 84, MedGen C0015625, MeSH D005199, MONDO:0019391.

Submissions (2):

GeneDx
Classification: Uncertain significance. Last evaluated: 2025-02-19. Review status: criteria provided, single submitter. Criteria: GeneDx Variant Classification Process June 2021. Collection method: clinical testing. Allele origin: germline. Affected: yes.
Comment: Not observed at significant frequency in large population cohorts (gnomAD); In silico analysis supports that this missense variant has a deleterious effect on protein structure/function; Has not been previously published as pathogenic or benign to our knowledge

Labcorp Genetics (formerly Invitae), Labcorp
Classification: Uncertain significance for Fanconi anemia. Last evaluated: 2019-01-18. Review status: criteria provided, single submitter. Criteria: Invitae Variant Classification Sherloc (09022015). Collection method: clinical testing. Allele origin: germline.
Comment: This sequence change replaces glutamic acid with aspartic acid at codon 1515 of the FANCM protein (p.Glu1515Asp). The glutamic acid residue is highly conserved and there is a small physicochemical difference between glutamic acid and aspartic acid. This variant is not present in population databases (ExAC no frequency). This variant has not been reported in the literature in individuals with FANCM-related conditions. Algorithms developed to predict the effect of missense changes on protein structure and function are either unavailable or do not agree on the potential impact of this missense change (SIFT: "Tolerated"; PolyPhen-2: "Possibly Damaging"; Align-GVGD: "Class C0"). In summary, the available evidence is currently insufficient to determine the role of this variant in disease. Therefore, it has been classified as a Variant of Uncertain Significance.

NM_020937.4(FANCM):c.4545A>T (p.Glu1515Asp)

Gene: FANCM (FA complementation group M; plus strand). Cytogenetic location: 14q21.2.
Variant type: single nucleotide variant.
Coding change: c.4545A>T on transcript NM_020937.4 (MANE Select); coding-DNA position 4545, A replaced by T.
Protein change: p.Glu1515Asp; replaces glutamic acid 1515 with aspartic acid.
Molecular consequence: missense variant.
Genome position (GRCh38, 1-based): chr14:45,185,246, A>T. VCF-style: chr14-45185246-A-T. GRCh37 (hg19) VCF-style: chr14-45654449-A-T.
Other names: c.4467A>T, p.Glu1489Asp (NM_001308133.2); short protein forms E1489D, E1515D.
Identifiers: ClinVar variation 846172 (VCV000846172.10), dbSNP rs1889323052, ClinGen allele CA389608130.